The following is an entry in ClinVar:

ClinVar aggregate classification (germline): Likely benign (1 of 4 stars; one submission).

Conditions:
Joubert syndrome 14 (JBTS14). Identifiers: MedGen C3280766, MONDO:0013745, OMIM 614424.

Allele frequency attached by ClinVar (database versions not stated): gnomAD below 0.00001 and 0.00027; TOPMed 0.00006; gnomAD exomes 0.00037 and 0.00115; 1000 Genomes Project 30x 0.00219; 1000 Genomes Project 0.00240; ExAC 0.00433.
gnomAD v4.1: 522 of 1,486,214 alleles (0.035%); highest among the groups gnomAD compares: South Asian, 0.64%; 3 homozygotes.

Submission:

Illumina Laboratory Services, Illumina
Classification: Likely benign for Joubert syndrome 14. Last evaluated: 2018-01-13. Review status: criteria provided, single submitter. Criteria: ICSL Variant Classification Criteria 13 December 2019. Collection method: clinical testing. Allele origin: germline.
Comment: This variant was observed in the ICSL laboratory as part of a predisposition screen in an ostensibly healthy population. It had not been previously curated by ICSL or reported in the Human Gene Mutation Database (HGMD: prior to June 1st, 2018), and was therefore a candidate for classification through an automated scoring system. Utilizing variant allele frequency, disease prevalence and penetrance estimates, and inheritance mode, an automated score was calculated to assess if this variant is too frequent to cause the disease. Based on the score and internal cut-off values, a variant classified as likely benign is not then subjected to further curation. The score for this variant resulted in a classification of likely benign for this disease.

NM_001044385.3(TMEM237):c.-25G>A

Genes: TMEM237 (transmembrane protein 237; minus strand), LOC129935417 (ATAC-STARR-seq lymphoblastoid silent region 12235; plus strand). Cytogenetic location: 2q33.1.
Variant type: single nucleotide variant.
Coding change: c.-25G>A on transcript NM_001044385.3 (MANE Select); 25 bases upstream of the start codon, G replaced by A.
Molecular consequence: 5 prime UTR variant.
Genome position (GRCh38, 1-based): chr2:201,643,425, C>T on the plus strand (G>A on the coding strand, the complement: TMEM237 is on the minus strand). VCF-style: chr2-201643425-C-T. GRCh37 (hg19) VCF-style: chr2-202508148-C-T.
Identifiers: ClinVar variation 333565 (VCV000333565.5), dbSNP rs568671275, ClinGen allele CA2056711.